The following is an entry in ClinVar:

ClinVar aggregate classification (germline): Uncertain significance (1 of 4 stars; one submission).

Conditions:
Rhabdoid tumor predisposition syndrome 2 (RTPS2). Identifiers: Orphanet 231108, Orphanet 69077, MedGen C2750074, MONDO:0013224, OMIM 613325.

Submission:

Labcorp Genetics (formerly Invitae), Labcorp
Classification: Uncertain significance for Rhabdoid tumor predisposition syndrome 2. Last evaluated: 2021-11-25. Review status: criteria provided, single submitter. Criteria: Invitae Variant Classification Sherloc (09022015). Collection method: clinical testing. Allele origin: germline.
Comment: This sequence change replaces lysine, which is basic and polar, with arginine, which is basic and polar, at codon 626 of the SMARCA4 protein (p.Lys626Arg). In summary, the available evidence is currently insufficient to determine the role of this variant in disease. Therefore, it has been classified as a Variant of Uncertain Significance. Algorithms developed to predict the effect of missense changes on protein structure and function (SIFT, PolyPhen-2, Align-GVGD) all suggest that this variant is likely to be tolerated. This variant has not been reported in the literature in individuals affected with SMARCA4-related conditions. This variant is not present in population databases (gnomAD no frequency).

NM_003072.5(SMARCA4):c.1877A>G (p.Lys626Arg)

Gene: SMARCA4 (SWI/SNF related BAF chromatin remodeling complex subunit ATPase 4; plus strand). Cytogenetic location: 19p13.2.
Variant type: single nucleotide variant.
Coding change: c.1877A>G on transcript NM_003072.5 (MANE Select); coding-DNA position 1877, A replaced by G.
Protein change: p.Lys626Arg; replaces lysine 626 with arginine.
Molecular consequence: missense variant. On other transcripts: non-coding transcript variant (1).
Genome position (GRCh38, 1-based): chr19:11,003,093, A>G. VCF-style: chr19-11003093-A-G. GRCh37 (hg19) VCF-style: chr19-11113769-A-G.
Other names: c.1877A>G, p.Lys626Arg (NM_001128847.4, NM_001128848.2, NM_001128849.3 and 5 more transcripts); short protein forms K626R.
Identifiers: ClinVar variation 1395018 (VCV001395018.6), dbSNP rs2146096765, ClinGen allele CA404051555.